The following is an entry in ClinVar:

NM_001283009.2(RTEL1):c.3365C>T (p.Pro1122Leu)

Genes: RTEL1 (regulator of telomere elongation helicase 1; plus strand), RTEL1-TNFRSF6B (RTEL1-TNFRSF6B readthrough (NMD candidate); plus strand). Cytogenetic location: 20q13.33.
Variant type: single nucleotide variant.
Coding change: c.3365C>T on transcript NM_001283009.2 (MANE Select); coding-DNA position 3365, C replaced by T.
Protein change: p.Pro1122Leu; replaces proline 1122 with leucine.
Molecular consequence: missense variant. On other transcripts: non-coding transcript variant (1).
Genome position (GRCh38, 1-based): chr20:63,695,087, C>T. VCF-style: chr20-63695087-C-T. GRCh37 (hg19) VCF-style: chr20-62326440-C-T.
Other names: c.2696C>T, p.Pro899Leu (NM_001283010.1); c.3365C>T, p.Pro1122Leu (NM_016434.4); c.3437C>T, p.Pro1146Leu (NM_032957.5); short protein forms P1122L, P899L, P1146L.
Identifiers: ClinVar variation 2935003 (VCV002935003.4), dbSNP rs1206421009, ClinGen allele CA409685284.

ClinVar aggregate classification (germline): Uncertain significance. Review status: criteria provided, multiple submitters, no conflicts (2 of 4 stars). 2 submissions from 2 submitters: Uncertain significance (2). Last evaluated 2024-12-15.

Conditions:
Inborn genetic diseases. Identifiers: MedGen C0950123, MeSH D030342.
Dyskeratosis congenita, autosomal recessive 5 (DKCB5). Identifiers: MedGen C3554656, MONDO:0014076, OMIM 615190.
Pulmonary fibrosis and/or bone marrow failure, Telomere-related, 3. Also called: PULMONARY FIBROSIS AND/OR BONE MARROW FAILURE SYNDROME, TELOMERE-RELATED, 3. Identifiers: Orphanet 2032, MedGen C4225346, MONDO:0014613, OMIM 616373.

Submissions (2):

Ambry Genetics
Classification: Uncertain significance for Inborn genetic diseases. Last evaluated: 2024-12-15. Review status: criteria provided, single submitter. Criteria: Ambry Variant Classification Scheme 2023. Collection method: clinical testing. Allele origin: germline.
Comment: The p.P1122L variant (also known as c.3365C>T), located in coding exon 32 of the RTEL1 gene, results from a C to T substitution at nucleotide position 3365. The proline at codon 1122 is replaced by leucine, an amino acid with similar properties. This amino acid position is conserved. In addition, the in silico prediction for this alteration is inconclusive. Based on the available evidence, the clinical significance of this variant remains unclear.

Labcorp Genetics (formerly Invitae), Labcorp
Classification: Uncertain significance for Dyskeratosis congenita, autosomal recessive 5; Pulmonary fibrosis and/or bone marrow failure, Telomere-related, 3. Last evaluated: 2024-05-20. Review status: criteria provided, single submitter. Criteria: Invitae Variant Classification Sherloc (09022015). Collection method: clinical testing. Allele origin: germline.
Comment: This sequence change replaces proline, which is neutral and non-polar, with leucine, which is neutral and non-polar, at codon 1122 of the RTEL1 protein (p.Pro1122Leu). This variant is not present in population databases (gnomAD no frequency). This variant has not been reported in the literature in individuals affected with RTEL1-related conditions. An algorithm developed to predict the effect of missense changes on protein structure and function (PolyPhen-2) suggests that this variant is likely to be disruptive. In summary, the available evidence is currently insufficient to determine the role of this variant in disease. Therefore, it has been classified as a Variant of Uncertain Significance.